The following is an entry in ClinVar:

NM_000059.4(BRCA2):c.8161C>T (p.Leu2721Phe)

Gene: BRCA2 (BRCA2 DNA repair associated; plus strand). Cytogenetic location: 13q13.1.
Variant type: single nucleotide variant.
Coding change: c.8161C>T on transcript NM_000059.4 (MANE Select); coding-DNA position 8161, C replaced by T.
Protein change: p.Leu2721Phe; replaces leucine 2721 with phenylalanine.
Molecular consequence: missense variant.
Genome position (GRCh38, 1-based): chr13:32,363,363, C>T. VCF-style: chr13-32363363-C-T. GRCh37 (hg19) VCF-style: chr13-32937500-C-T.
Other names: short protein forms L2721F.
Identifiers: ClinVar variation 853088 (VCV000853088.10), dbSNP rs2072757587, ClinGen allele CA387749566.

ClinVar aggregate classification (germline): Uncertain significance (1 of 4 stars; one submission).

Conditions:
Hereditary breast ovarian cancer syndrome. Also called: Hereditary breast and ovarian cancer syndrome; BRCA1- and BRCA2-Associated Hereditary Breast and Ovarian Cancer; Hereditary breast and/or ovarian cancer syndrome; Hereditary breast and ovarian cancer; Hereditary breast and ovarian cancer syndrome (HBOC); Breast and ovarian cancer. Identifiers: Orphanet 145, MedGen C0677776, MeSH D061325, MONDO:0003582. Disease mechanism: loss of function.

Submission:

Labcorp Genetics (formerly Invitae), Labcorp
Classification: Uncertain significance for Hereditary breast ovarian cancer syndrome. Last evaluated: 2019-01-31. Review status: criteria provided, single submitter. Criteria: Invitae Variant Classification Sherloc (09022015). Collection method: clinical testing. Allele origin: germline.
Comment: This sequence change replaces leucine with phenylalanine at codon 2721 of the BRCA2 protein (p.Leu2721Phe). The leucine residue is moderately conserved and there is a small physicochemical difference between leucine and phenylalanine. Algorithms developed to predict the effect of missense changes on protein structure and function are either unavailable or do not agree on the potential impact of this missense change (SIFT: "Deleterious"; PolyPhen-2: "Probably Damaging"; Align-GVGD: "Class C0"). In summary, the available evidence is currently insufficient to determine the role of this variant in disease. Therefore, it has been classified as a Variant of Uncertain Significance. This variant has not been reported in the literature in individuals with BRCA2-related conditions. This variant is not present in population databases (ExAC no frequency).